The following is an entry in ClinVar:

NM_001386298.1(CIC):c.2647A>T (p.Met883Leu)

Gene: CIC (capicua transcriptional repressor; plus strand). Cytogenetic location: 19q13.2.
Variant type: single nucleotide variant.
Coding change: c.2647A>T on transcript NM_001386298.1 (MANE Select); coding-DNA position 2647, A replaced by T.
Protein change: p.Met883Leu; replaces methionine 883 with leucine.
Molecular consequence: missense variant.
Genome position (GRCh38, 1-based): chr19:42,274,430, A>T. VCF-style: chr19-42274430-A-T. GRCh37 (hg19) VCF-style: chr19-42778582-A-T.
Other names: c.2647A>T, p.Met883Leu (NM_001304815.2, NM_001379480.1, NM_001379482.1 and 6 more transcripts); short protein forms M883L.
Identifiers: ClinVar variation 4535050 (VCV004535050.6).

ClinVar aggregate classification (germline): Uncertain significance (1 of 4 stars; one submission).

Submission:

CeGaT Center for Human Genetics Tuebingen
Classification: Uncertain significance. Last evaluated: 2025-10-01. Review status: criteria provided, single submitter. Criteria: CeGaT Center For Human Genetics Tuebingen Variant Classification Criteria Version 2. Collection method: clinical testing. Allele origin: germline. Affected: yes. Observed: 1 variant allele.
Comment: CIC: PM2